The following is an entry in ClinVar:

NM_005502.4(ABCA1):c.3255T>G (p.Ile1085Met)

Gene: ABCA1 (ATP binding cassette subfamily A member 1; minus strand). Cytogenetic location: 9q31.1.
Variant type: single nucleotide variant.
Coding change: c.3255T>G on transcript NM_005502.4 (MANE Select); coding-DNA position 3255, T replaced by G.
Protein change: p.Ile1085Met; replaces isoleucine 1085 with methionine.
Molecular consequence: missense variant.
Genome position (GRCh38, 1-based): chr9:104,818,870, A>C on the plus strand (T>G on the coding strand, the complement: ABCA1 is on the minus strand). VCF-style: chr9-104818870-A-C. GRCh37 (hg19) VCF-style: chr9-107581151-A-C.
Other names: short protein forms I1085M.
Identifiers: ClinVar variation 4869164 (VCV004869164.1).

ClinVar aggregate classification (germline): Uncertain significance (1 of 4 stars; one submission).

Conditions:
Cardiovascular phenotype. Identifiers: MedGen CN230736.

Submission:

Ambry Genetics
Classification: Uncertain significance for Cardiovascular phenotype. Last evaluated: 2026-06-09. Review status: criteria provided, single submitter. Criteria: Ambry Variant Classification Scheme 2023. Collection method: clinical testing. Allele origin: germline.
Comment: The p.I1085M variant (also known as c.3255T>G), located in coding exon 22 of the ABCA1 gene, results from a T to G substitution at nucleotide position 3255. The isoleucine at codon 1085 is replaced by methionine, an amino acid with highly similar properties. This amino acid position is conserved. In addition, this alteration is predicted to be deleterious by in silico analysis. Based on the available evidence, the clinical significance of this variant remains unclear.